The following is an entry in ClinVar:

ClinVar aggregate classification (germline): Benign. Review status: criteria provided, multiple submitters, no conflicts (2 of 4 stars). 8 submissions from 7 submitters: Benign (7). 1 of the submissions does not count toward it. Last evaluated 2026-02-04.

Conditions:
Retinitis pigmentosa 39 (RP39). Identifiers: Orphanet 791, MedGen C3151138, MONDO:0013436, OMIM 613809.
Usher syndrome type 2A. Also called: RETINAL DISEASE IN USHER SYNDROME TYPE IIA, MODIFIER OF; USHER SYNDROME, TYPE IIA. Identifiers: Orphanet 231178, Orphanet 886, MedGen C1848634, MONDO:0010169, OMIM 276901.

Allele frequency attached by ClinVar (database versions not stated): gnomAD exomes 0.00076 and 0.00209; ExAC 0.00248; gnomAD 0.00777 and 0.00830; TOPMed 0.00880; ESP Exome Variant Server 0.00907; 1000 Genomes Project 0.01038; 1000 Genomes Project 30x 0.01187.
gnomAD v4.1: 2,350 of 1,614,152 alleles (0.15%); highest among the groups gnomAD compares: African/African-American, 2.8%; 24 homozygotes.

Submissions (8):

Labcorp Genetics (formerly Invitae), Labcorp
Classification: Benign. Last evaluated: 2026-02-04. Review status: criteria provided, single submitter. Criteria: Invitae Variant Classification Sherloc (09022015). Collection method: clinical testing. Allele origin: germline.

Genome-Nilou Lab
Classification: Benign for Retinitis pigmentosa 39. Last evaluated: 2023-11-04. Review status: criteria provided, single submitter. Criteria: ACMG Guidelines, 2015. Collection method: clinical testing. Allele origin: germline. Affected: no.

Genome-Nilou Lab
Classification: Benign for Usher syndrome type 2A. Last evaluated: 2023-11-04. Review status: criteria provided, single submitter. Criteria: ACMG Guidelines, 2015. Collection method: clinical testing. Allele origin: germline. Affected: no.

GeneDx
Classification: Benign. Last evaluated: 2019-02-28. Review status: criteria provided, single submitter. Criteria: GeneDx Variant Classification Process June 2021. Collection method: clinical testing. Allele origin: germline. Affected: yes.
Comment: This variant is associated with the following publications: (PMID: 20507924)

ARUP Laboratories, Molecular Genetics and Genomics, ARUP Laboratories
Classification: Benign. Last evaluated: 2017-05-26. Review status: criteria provided, single submitter. Criteria: ARUP Molecular Germline Variant Investigation Process. Collection method: clinical testing. Allele origin: germline.

Laboratory for Molecular Medicine, Mass General Brigham Personalized Medicine
Classification: Benign. Last evaluated: 2011-12-16. Review status: criteria provided, single submitter. Criteria: LMM Criteria. Collection method: clinical testing. Allele origin: germline. Observed: 11 variant alleles.
Comment: Ala4778Asp in exon 65 of USH2A: This variant is not expected to have clinical si gnificance because it has been identified in 2.7% (100/3738) of chromosomes from a broad African American population (dbSNP rs146994147).

Breakthrough Genomics
Classification: Benign. Review status: criteria provided, single submitter. Criteria: ACMG Guidelines, 2015. Collection method: not provided. Allele origin: germline. Inheritance: Autosomal recessive inheritance. Affected: yes.

Natera, Inc.
Classification: Benign for Usher syndrome type 2A. Last evaluated: 2019-12-07. Review status: no assertion criteria provided. Collection method: clinical testing. Allele origin: germline. Not counted in ClinVar's aggregate classification.

Literature cited by the submitters: PubMed 20507924 (cited by Laboratory for Molecular Medicine, Mass General Brigham Personalized Medicine).

NM_206933.4(USH2A):c.14333C>A (p.Ala4778Asp)

Gene: USH2A (usherin; minus strand). Cytogenetic location: 1q41.
Variant type: single nucleotide variant.
Coding change: c.14333C>A on transcript NM_206933.4 (MANE Select); coding-DNA position 14333, C replaced by A.
Protein change: p.Ala4778Asp; replaces alanine 4778 with aspartic acid.
Molecular consequence: missense variant.
Genome position (GRCh38, 1-based): chr1:215,650,602, G>T on the plus strand (C>A on the coding strand, the complement: USH2A is on the minus strand). VCF-style: chr1-215650602-G-T. GRCh37 (hg19) VCF-style: chr1-215823944-G-T.
Other names: short protein forms A4778D.
Identifiers: ClinVar variation 48436 (VCV000048436.29), dbSNP rs113447586, ClinGen allele CA143348.